The following is an entry in ClinVar:

ClinVar aggregate classification (germline): Benign (1 of 4 stars; one submission).

Allele frequency attached by ClinVar (database versions not stated): gnomAD 0.82373 and 0.82600; TOPMed 0.82750; gnomAD exomes 0.82807; 1000 Genomes Project 30x 0.84713; 1000 Genomes Project 0.84824.
gnomAD v4.1: 719,105 of 868,738 alleles (83%); highest among the groups gnomAD compares: South Asian, 89%; 298,107 homozygotes.

Submission:

GeneDx
Classification: Benign. Last evaluated: 2018-06-14. Review status: criteria provided, single submitter. Criteria: GeneDx Variant Classification (06012015). Collection method: clinical testing. Allele origin: germline. Affected: yes.
Comment: This variant is considered likely benign or benign based on one or more of the following criteria: it is a conservative change, it occurs at a poorly conserved position in the protein, it is predicted to be benign by multiple in silico algorithms, and/or has population frequency not consistent with disease.

NM_000890.5(KCNJ5):c.937+109G>A

Gene: KCNJ5 (potassium inwardly rectifying channel subfamily J member 5; plus strand). Cytogenetic location: 11q24.3.
Variant type: single nucleotide variant.
Coding change: c.937+109G>A on transcript NM_000890.5 (MANE Select); 109 bases into the intron after coding-DNA position 937, G replaced by A.
Molecular consequence: intron variant.
Genome position (GRCh38, 1-based): chr11:128,912,319, G>A. VCF-style: chr11-128912319-G-A. GRCh37 (hg19) VCF-style: chr11-128782214-G-A.
Other names: c.937+109G>A (NM_001354169.2).
Identifiers: ClinVar variation 672206 (VCV000672206.1), dbSNP rs1317470, ClinGen allele CA15710986.